The following is an entry in ClinVar:

ClinVar aggregate classification (germline): Uncertain significance (1 of 4 stars; one submission).

Conditions:
Familial cancer of breast. Also called: BREAST CANCER, FAMILIAL; hereditary breast carcinoma; Hereditary breast cancer. Identifiers: Orphanet 227535, MedGen C0346153, MONDO:0016419, OMIM 114480. Disease mechanism: loss of function.
Fanconi anemia complementation group J. Also called: BRIP1-Related Fanconi Anemia. Identifiers: Orphanet 84, MedGen C1836860, MONDO:0012187, OMIM 609054.

Submission:

Labcorp Genetics (formerly Invitae), Labcorp
Classification: Uncertain significance for Familial cancer of breast; Fanconi anemia complementation group J. Last evaluated: 2022-02-20. Review status: criteria provided, single submitter. Criteria: Invitae Variant Classification Sherloc (09022015). Collection method: clinical testing. Allele origin: germline.
Comment: In summary, the available evidence is currently insufficient to determine the role of this variant in disease. Therefore, it has been classified as a Variant of Uncertain Significance. Algorithms developed to predict the effect of missense changes on protein structure and function are either unavailable or do not agree on the potential impact of this missense change (SIFT: "Deleterious"; PolyPhen-2: "Benign"; Align-GVGD: "Class C0"). This variant has not been reported in the literature in individuals affected with BRIP1-related conditions. This variant is not present in population databases (gnomAD no frequency). This sequence change replaces glutamine, which is neutral and polar, with histidine, which is basic and polar, at codon 65 of the BRIP1 protein (p.Gln65His).

NM_032043.3(BRIP1):c.195A>C (p.Gln65His)

Gene: BRIP1 (BRCA1 interacting DNA helicase 1; minus strand). Cytogenetic location: 17q23.2.
Variant type: single nucleotide variant.
Coding change: c.195A>C on transcript NM_032043.3 (MANE Select); coding-DNA position 195, A replaced by C.
Protein change: p.Gln65His; replaces glutamine 65 with histidine.
Molecular consequence: missense variant.
Genome position (GRCh38, 1-based): chr17:61,859,806, T>G on the plus strand (A>C on the coding strand, the complement: BRIP1 is on the minus strand). VCF-style: chr17-61859806-T-G. GRCh37 (hg19) VCF-style: chr17-59937167-T-G.
Other names: short protein forms Q65H.
Identifiers: ClinVar variation 1361998 (VCV001361998.9), dbSNP rs141436143, ClinGen allele CA400485664.